The following is an entry in ClinVar:

NM_001042492.3(NF1):c.8246A>C (p.Glu2749Ala)

Gene: NF1 (neurofibromin 1; plus strand). Cytogenetic location: 17q11.2.
Variant type: single nucleotide variant.
Coding change: c.8246A>C on transcript NM_001042492.3 (MANE Select); coding-DNA position 8246, A replaced by C.
Protein change: p.Glu2749Ala; replaces glutamic acid 2749 with alanine.
Molecular consequence: missense variant.
Genome position (GRCh38, 1-based): chr17:31,360,572, A>C. VCF-style: chr17-31360572-A-C. GRCh37 (hg19) VCF-style: chr17-29687590-A-C.
Other names: c.8183A>C, p.Glu2728Ala (NM_000267.4); short protein forms E2728A, E2749A.
Identifiers: ClinVar variation 3634613 (VCV003634613.2).

ClinVar aggregate classification (germline): Uncertain significance (1 of 4 stars; one submission).

Conditions:
Neurofibromatosis, type 1 (NF1). Also called: VON RECKLINGHAUSEN DISEASE; Peripheral type neurofibromatosis; NEUROFIBROMATOSIS, TYPE I, SOMATIC; Neurofibromatosis, type I. Identifiers: Orphanet 636, MedGen C0027831, MONDO:0018975, OMIM 162200. Disease mechanism: loss of function.

Submission:

Labcorp Genetics (formerly Invitae), Labcorp
Classification: Uncertain significance for Neurofibromatosis, type 1. Last evaluated: 2024-11-12. Review status: criteria provided, single submitter. Criteria: Invitae Variant Classification Sherloc (09022015). Collection method: clinical testing. Allele origin: germline.
Comment: This sequence change replaces glutamic acid, which is acidic and polar, with alanine, which is neutral and non-polar, at codon 2728 of the NF1 protein (p.Glu2728Ala). This variant is not present in population databases (gnomAD no frequency). This variant has not been reported in the literature in individuals affected with NF1-related conditions. Invitae Evidence Modeling of protein sequence and biophysical properties (such as structural, functional, and spatial information, amino acid conservation, physicochemical variation, residue mobility, and thermodynamic stability) has been performed for this missense variant. However, the output from this modeling did not meet the statistical confidence thresholds required to predict the impact of this variant on NF1 protein function. In summary, the available evidence is currently insufficient to determine the role of this variant in disease. Therefore, it has been classified as a Variant of Uncertain Significance.